The following is an entry in ClinVar:

NM_005068.3(SIM1):c.1944T>A (p.Tyr648Ter)

Gene: SIM1 (SIM bHLH transcription factor 1; minus strand). Cytogenetic location: 6q16.3.
Variant type: single nucleotide variant.
Coding change: c.1944T>A on transcript NM_005068.3 (MANE Select); coding-DNA position 1944, T replaced by A.
Protein change: p.Tyr648Ter; replaces tyrosine 648 with a stop codon.
Molecular consequence: nonsense.
Genome position (GRCh38, 1-based): chr6:100,390,718, A>T on the plus strand (T>A on the coding strand, the complement: SIM1 is on the minus strand). VCF-style: chr6-100390718-A-T. GRCh37 (hg19) VCF-style: chr6-100838594-A-T.
Other names: c.1944T>A, p.Tyr648Ter (NM_001374769.1); short protein forms Y648*.
Identifiers: ClinVar variation 5036903 (VCV005036903.1).

ClinVar aggregate classification (germline): Uncertain significance (1 of 4 stars; one submission).

Submission:

GeneDx
Classification: Uncertain significance. Last evaluated: 2026-04-20. Review status: criteria provided, single submitter. Criteria: GeneDx Variant Classification Process June 2021. Collection method: clinical testing. Allele origin: germline.
Comment: Not observed at significant frequency in large population cohorts (gnomAD); Nonsense variant predicted to result in protein truncation as the last 119 amino acid(s) are lost; Has not been previously published as pathogenic or benign to our knowledge